The following is an entry in ClinVar:

NM_015650.4(TRAF3IP1):c.346C>T (p.Leu116Phe)

Gene: TRAF3IP1 (TRAF3 interacting protein 1; plus strand). Cytogenetic location: 2q37.3.
Variant type: single nucleotide variant.
Coding change: c.346C>T on transcript NM_015650.4 (MANE Select); coding-DNA position 346, C replaced by T.
Protein change: p.Leu116Phe; replaces leucine 116 with phenylalanine.
Molecular consequence: missense variant.
Genome position (GRCh38, 1-based): chr2:238,325,962, C>T. VCF-style: chr2-238325962-C-T. GRCh37 (hg19) VCF-style: chr2-239234603-C-T.
Other names: c.346C>T, p.Leu116Phe (NM_001139490.1); short protein forms L116F.
Identifiers: ClinVar variation 1038361 (VCV001038361.8), dbSNP rs761049632, ClinGen allele CA2198019.
Genomic context (GRCh38, chr2:238,325,962, plus strand): 5'-GTGGCGGGGCATGAGCCTGAAAGAACAAACGAGCTGCTCCAGATAATTGGAAAATGCTGT[C>T]TCAACAAGGTACTACTGCTGTCCTGGCATTTTGAACTTACTTAGTACTTGAGTAAAAAGT-3'
Protein context (NP_056465.2, residues 106-126): ELLQIIGKCC[Leu116Phe]NKLSSDDAVR

ClinVar aggregate classification (germline): Uncertain significance (1 of 4 stars; one submission).

Allele frequency attached by ClinVar (database versions not stated): gnomAD exomes 0.00001; ExAC 0.00002; gnomAD 0.00002; TOPMed 0.00002.
gnomAD v4.1: 3 of 1,612,586 alleles (0.00019%); highest among the groups gnomAD compares: Non-Finnish European, 0.00025%; no homozygotes.

Submission:

Labcorp Genetics (formerly Invitae), Labcorp
Classification: Uncertain significance. Last evaluated: 2020-08-05. Review status: criteria provided, single submitter. Criteria: Invitae Variant Classification Sherloc (09022015). Collection method: clinical testing. Allele origin: germline.
Comment: This sequence change replaces leucine with phenylalanine at codon 116 of the TRAF3IP1 protein (p.Leu116Phe). The leucine residue is highly conserved and there is a small physicochemical difference between leucine and phenylalanine. In summary, the available evidence is currently insufficient to determine the role of this variant in disease. Therefore, it has been classified as a Variant of Uncertain Significance. Algorithms developed to predict the effect of missense changes on protein structure and function are either unavailable or do not agree on the potential impact of this missense change (SIFT: "Tolerated"; PolyPhen-2: "Possibly Damaging"; Align-GVGD: "Class C0"). This variant has not been reported in the literature in individuals with TRAF3IP1-related conditions. This variant is present in population databases (rs761049632, ExAC 0.003%).